The following is an entry in ClinVar:

NM_005120.3(MED12):c.1618C>T (p.Arg540Cys)

Genes: MED12 (mediator complex subunit 12; plus strand), LOC126863275 (BRD4-independent group 4 enhancer GRCh37_chrX:70342400-70343599; plus strand). Cytogenetic location: Xq13.1.
Variant type: single nucleotide variant.
Coding change: c.1618C>T on transcript NM_005120.3 (MANE Select); coding-DNA position 1618, C replaced by T.
Protein change: p.Arg540Cys; replaces arginine 540 with cysteine.
Molecular consequence: missense variant.
Genome position (GRCh38, 1-based): chrX:71,123,594, C>T. VCF-style: chrX-71123594-C-T. GRCh37 (hg19) VCF-style: chrX-70343444-C-T.
Other names: short protein forms R540C.
Identifiers: ClinVar variation 4776473 (VCV004776473.1).

ClinVar aggregate classification (germline): Uncertain significance (1 of 4 stars; one submission).

Conditions:
FG syndrome (FGS). Identifiers: MedGen C0220769, MONDO:0002010.

gnomAD v4.1: 2 of 1,210,900 alleles (0.00017%); highest among the groups gnomAD compares: Non-Finnish European, 0.00022%; no homozygotes.

Submission:

Labcorp Genetics (formerly Invitae), Labcorp
Classification: Uncertain significance for FG syndrome. Last evaluated: 2025-12-17. Review status: criteria provided, single submitter. Criteria: Invitae Variant Classification Sherloc (09022015). Collection method: clinical testing. Allele origin: germline.
Comment: This sequence change replaces arginine, which is basic and polar, with cysteine, which is neutral and slightly polar, at codon 540 of the MED12 protein (p.Arg540Cys). This variant is not present in population databases (gnomAD no frequency). This variant has not been reported in the literature in individuals affected with MED12-related conditions. An algorithm developed to predict the effect of missense changes on protein structure and function (PolyPhen-2) suggests that this variant is likely to be disruptive. In summary, the available evidence is currently insufficient to determine the role of this variant in disease. Therefore, it has been classified as a Variant of Uncertain Significance.